The following is an entry in ClinVar:

ClinVar aggregate classification (germline): Likely pathogenic (0 of 4 stars; one submission).

Conditions:
Marfan syndrome (MFS). Also called: MARFAN SYNDROME, TYPE I; Marfan syndrome type 1; Marfan's syndrome; FBN1-Related Marfan Syndrome; Marfan syndrome, classic. Identifiers: Orphanet 284963, Orphanet 558, MedGen C0024796, MONDO:0007947, OMIM 154700.

Submission:

Department of Laboratory Medicine and Genetics, Samsung Medical Center
Classification: Likely pathogenic for Marfan syndrome. Last evaluated: 2025-01-02. Review status: no assertion criteria provided. Collection method: clinical testing. Allele origin: germline.
Comment: The NM_000138.5:c.460T>C is considered to be rare in the general population database (gnomAD v2.1.1). This variant is predicted to be deletrious by in-silico analysis (REVEL). This variant is located in functional domains and a different missense variant at the same residue is determined to be pathogenic (c.461G>C, p.Cys154Ser). In summary, this variant was classified as a likely pathogenic variant for Marfan syndrome (PM1, PM5, PP2, PP3, PM2_P).

Literature cited by the submitters: PubMed 37558401; PubMed 37840311.

NM_000138.5(FBN1):c.460T>C (p.Cys154Arg)

Gene: FBN1 (fibrillin 1; minus strand). Cytogenetic location: 15q21.1.
Variant type: single nucleotide variant.
Coding change: c.460T>C on transcript NM_000138.5 (MANE Select); coding-DNA position 460, T replaced by C.
Protein change: p.Cys154Arg; replaces cysteine 154 with arginine.
Molecular consequence: missense variant.
Genome position (GRCh38, 1-based): chr15:48,596,361, A>G on the plus strand (T>C on the coding strand, the complement: FBN1 is on the minus strand). VCF-style: chr15-48596361-A-G. GRCh37 (hg19) VCF-style: chr15-48888558-A-G.
Other names: c.460T>C, p.Cys154Arg (NM_001406716.1, NM_001406717.1); short protein forms C154R.
Identifiers: ClinVar variation 3600248 (VCV003600248.1).